The following is an entry in ClinVar:

NM_000465.4(BARD1):c.1569-2A>G

Gene: BARD1 (BRCA1 associated RING domain 1; minus strand). Cytogenetic location: 2q35.
Variant type: single nucleotide variant.
Coding change: c.1569-2A>G on transcript NM_000465.4 (MANE Select); the canonical splice acceptor site of the intron before coding-DNA position 1569, A replaced by G.
Molecular consequence: splice acceptor variant. On other transcripts: intron variant (1).
Genome position (GRCh38, 1-based): chr2:214,752,557, T>C on the plus strand (A>G on the coding strand, the complement: BARD1 is on the minus strand). VCF-style: chr2-214752557-T-C. GRCh37 (hg19) VCF-style: chr2-215617281-T-C.
Other names: c.159-2A>G (NM_001282548.2); c.1512-2A>G (NM_001282543.2); c.216-2A>G (NM_001282545.2); c.365-22049A>G (NM_001282549.2).
Identifiers: ClinVar variation 845400 (VCV000845400.14), dbSNP rs1693509336, ClinGen allele CA350455079.

ClinVar aggregate classification (germline): Likely pathogenic. Review status: criteria provided, multiple submitters, no conflicts (2 of 4 stars). 3 submissions from 3 submitters: Likely pathogenic (3). Last evaluated 2025-12-17.

Conditions:
Familial cancer of breast. Also called: hereditary breast carcinoma; Hereditary breast cancer; BREAST CANCER, FAMILIAL. Identifiers: Orphanet 227535, MedGen C0346153, MONDO:0016419, OMIM 114480. Disease mechanism: loss of function.
Hereditary cancer-predisposing syndrome. Also called: Tumor predisposition; Hereditary neoplastic syndrome; Neoplastic Syndromes, Hereditary; Hereditary Cancer Syndrome. Identifiers: Orphanet 140162, MedGen C0027672, MeSH D009386, MONDO:0015356.

Submissions (3):

Labcorp Genetics (formerly Invitae), Labcorp
Classification: Likely pathogenic for Familial cancer of breast. Last evaluated: 2025-12-17. Review status: criteria provided, single submitter. Criteria: Invitae Variant Classification Sherloc (09022015). Collection method: clinical testing. Allele origin: germline.
Comment: This sequence change affects an acceptor splice site in intron 6 of the BARD1 gene. RNA analysis indicates that disruption of this splice site induces altered splicing and may result in an absent or altered protein product. This variant is not present in population databases (gnomAD no frequency). This variant has not been reported in the literature in individuals affected with BARD1-related conditions. ClinVar contains an entry for this variant (Variation ID: 845400). Studies have shown that disruption of this splice site results in activation of a cryptic splice site, and produces a non-functional protein and/or introduces a premature termination codon (internal data). In summary, the currently available evidence indicates that the variant is pathogenic, but additional data are needed to prove that conclusively. Therefore, this variant has been classified as Likely Pathogenic.

Ambry Genetics
Classification: Likely pathogenic for Hereditary cancer-predisposing syndrome. Last evaluated: 2025-07-03. Review status: criteria provided, single submitter. Criteria: Ambry Variant Classification Scheme 2023. Collection method: clinical testing. Allele origin: germline.
Comment: The c.1569-2A>G intronic variant results from an A to G substitution two nucleotides upstream from coding exon 7 in the BARD1 gene. This variant is considered to be rare based on population cohorts in the Genome Aggregation Database (gnomAD). This nucleotide position is highly conserved in available vertebrate species. In silico splice site analysis predicts that this alteration will weaken the native splice acceptor site; however, direct evidence is insufficient at this time (Ambry internal data). Alterations that disrupt the canonical splice site are expected to cause aberrant splicing, resulting in an abnormal protein or a transcript that is subject to nonsense-mediated mRNA decay. As such, this alteration is classified as likely pathogenic.

Myriad Genetics, Inc.
Classification: Likely pathogenic for Familial cancer of breast. Last evaluated: 2023-05-23. Review status: criteria provided, single submitter. Criteria: Myriad Autosomal Dominant, Autosomal Recessive and X-Linked Classification Criteria (2023). Collection method: clinical testing. Allele origin: unknown.
Comment: This variant is considered likely pathogenic. This variant occurs within a consensus splice junction and is predicted to result in abnormal mRNA splicing of either an out-of-frame exon or an in-frame exon necessary for protein stability and/or normal function.